The following is an entry in ClinVar:

ClinVar aggregate classification (germline): Likely benign (1 of 4 stars; one submission).

Allele frequency attached by ClinVar (database versions not stated): gnomAD exomes 0.00023; gnomAD 0.00253; 1000 Genomes Project 30x 0.00281; TOPMed 0.00283; 1000 Genomes Project 0.00319.
gnomAD v4.1: 579 of 950,538 alleles (0.061%); highest among the groups gnomAD compares: African/African-American, 0.84%; 3 homozygotes.

Submission:

GeneDx
Classification: Likely benign. Last evaluated: 2022-01-01. Review status: criteria provided, single submitter. Criteria: GeneDx Variant Classification Process June 2021. Collection method: clinical testing. Allele origin: germline. Affected: yes.
Comment: See Variant Classification Assertion Criteria.

NM_018685.5(ANLN):c.2300-107G>A

Gene: ANLN (anillin, actin binding protein; plus strand). Cytogenetic location: 7p14.2.
Variant type: single nucleotide variant.
Coding change: c.2300-107G>A on transcript NM_018685.5 (MANE Select); 107 bases into the intron before coding-DNA position 2300, G replaced by A.
Molecular consequence: intron variant.
Genome position (GRCh38, 1-based): chr7:36,422,526, G>A. VCF-style: chr7-36422526-G-A. GRCh37 (hg19) VCF-style: chr7-36462135-G-A.
Other names: c.2189-107G>A (NM_001284301.3); c.2186-107G>A (NM_001284302.3).
Identifiers: ClinVar variation 2663519 (VCV002663519.1), dbSNP rs116509655, ClinGen allele CA157084267.